The following is an entry in ClinVar:

NM_001171.6(ABCC6):c.2415A>G (p.Thr805=)

Gene: ABCC6 (ATP binding cassette subfamily C member 6; minus strand). Cytogenetic location: 16p13.11.
Variant type: single nucleotide variant.
Coding change: c.2415A>G on transcript NM_001171.6 (MANE Select); coding-DNA position 2415, A replaced by G.
Protein change: p.Thr805=; no amino-acid change (threonine 805 retained).
Molecular consequence: synonymous variant. On other transcripts: non-coding transcript variant (1).
Genome position (GRCh38, 1-based): chr16:16,178,798, T>C on the plus strand (A>G on the coding strand, the complement: ABCC6 is on the minus strand). VCF-style: chr16-16178798-T-C. GRCh37 (hg19) VCF-style: chr16-16272655-T-C.
Other names: c.2073A>G, p.Thr691= (NM_001351800.1).
Identifiers: ClinVar variation 1351391 (VCV001351391.7), dbSNP rs748500639, ClinGen allele CA7925938.
Genomic context (GRCh38, chr16:16,178,798, plus strand): 5'-GATGCTAAGTGCTTCCTCTGCCTTTGCCCTGTACTGTCTGACACATGTTCCCAAACTTAC[T>C]GTTCCCTGGAGTAGTCCACCAGGCCCAATGACCTGGTTGAAGACATGCTGGCCAACGTGG-3'
Protein context (NP_001162.5, residues 795-815): VIGPGGLLQG[Thr805=]TRILVTHALH

ClinVar aggregate classification (germline): Conflicting classifications of pathogenicity. Review status: criteria provided, conflicting classifications (1 of 4 stars). 3 submissions from 3 submitters: Uncertain significance (2); Likely benign (1). Last evaluated 2022-08-19.

Conditions:
Autosomal recessive inherited pseudoxanthoma elasticum (PXE). Identifiers: Orphanet 758, MedGen CN032334, MONDO:0009925, OMIM 264800.
Pseudoxanthoma elasticum, forme fruste. Also called: PSEUDOXANTHOMA ELASTICUM, HETEROZYGOUS; Pseudoxanthoma Elasticum, Incomplete. Identifiers: Orphanet 758, MedGen C1867450, MONDO:0008333, OMIM 177850.
Arterial calcification, generalized, of infancy, 2. Identifiers: Orphanet 51608, MedGen C3276161, MONDO:0013768, OMIM 614473.

Allele frequency attached by ClinVar (database versions not stated): TOPMed 0.00003; ExAC 0.00007; gnomAD exomes 0.00007 and 0.00008; gnomAD 0.00008 and 0.00009.
gnomAD v4.1: 109 of 1,613,818 alleles (0.0068%); highest among the groups gnomAD compares: Non-Finnish European, 0.0065%; no homozygotes.

Submissions (3):

Labcorp Genetics (formerly Invitae), Labcorp
Classification: Uncertain significance. Last evaluated: 2022-08-19. Review status: criteria provided, single submitter. Criteria: Invitae Variant Classification Sherloc (09022015). Collection method: clinical testing. Allele origin: germline.
Comment: This sequence change affects codon 805 of the ABCC6 mRNA. It is a 'silent' change, meaning that it does not change the encoded amino acid sequence of the ABCC6 protein. It affects a nucleotide within the consensus splice site. This variant is present in population databases (rs748500639, gnomAD 0.04%). This variant has not been reported in the literature in individuals affected with ABCC6-related conditions. ClinVar contains an entry for this variant (Variation ID: 1351391). Algorithms developed to predict the effect of sequence changes on RNA splicing suggest that this variant may disrupt the consensus splice site. In summary, the available evidence is currently insufficient to determine the role of this variant in disease. Therefore, it has been classified as a Variant of Uncertain Significance.

Blueprint Genetics
Classification: Likely benign. Last evaluated: 2022-05-11. Review status: criteria provided, single submitter. Criteria: ACMG Guidelines, 2015. Collection method: clinical testing. Allele origin: germline.

Fulgent Genetics
Classification: Uncertain significance for Pseudoxanthoma elasticum, forme fruste; Autosomal recessive inherited pseudoxanthoma elasticum; Arterial calcification, generalized, of infancy, 2. Last evaluated: 2021-11-15. Review status: criteria provided, single submitter. Criteria: ACMG Guidelines, 2015. Collection method: clinical testing. Allele origin: unknown.